The following is an entry in ClinVar:

NM_006231.4(POLE):c.2806C>T (p.Pro936Ser)

Gene: POLE (DNA polymerase epsilon, catalytic subunit; minus strand). Cytogenetic location: 12q24.33.
Variant type: single nucleotide variant.
Coding change: c.2806C>T on transcript NM_006231.4 (MANE Select); coding-DNA position 2806, C replaced by T.
Protein change: p.Pro936Ser; replaces proline 936 with serine.
Molecular consequence: missense variant.
Genome position (GRCh38, 1-based): chr12:132,661,585, G>A on the plus strand (C>T on the coding strand, the complement: POLE is on the minus strand). VCF-style: chr12-132661585-G-A. GRCh37 (hg19) VCF-style: chr12-133238171-G-A.
Other names: short protein forms P936S.
Identifiers: ClinVar variation 1390410 (VCV001390410.6), dbSNP rs2135948534, ClinGen allele CA387393726.

ClinVar aggregate classification (germline): Uncertain significance (1 of 4 stars; one submission).

Submission:

Labcorp Genetics (formerly Invitae), Labcorp
Classification: Uncertain significance. Last evaluated: 2025-09-14. Review status: criteria provided, single submitter. Criteria: Invitae Variant Classification Sherloc (09022015). Collection method: clinical testing. Allele origin: germline.
Comment: This sequence change replaces proline, which is neutral and non-polar, with serine, which is neutral and polar, at codon 936 of the POLE protein (p.Pro936Ser). This variant is not present in population databases (gnomAD no frequency). This variant has not been reported in the literature in individuals affected with POLE-related conditions. ClinVar contains an entry for this variant (Variation ID: 1390410). Invitae Evidence Modeling of protein sequence and biophysical properties (such as structural, functional, and spatial information, amino acid conservation, physicochemical variation, residue mobility, and thermodynamic stability) indicates that this missense variant is expected to disrupt POLE protein function with a positive predictive value of 80%. In summary, the available evidence is currently insufficient to determine the role of this variant in disease. Therefore, it has been classified as a Variant of Uncertain Significance.